The following is an entry in ClinVar:

ClinVar aggregate classification (germline): Uncertain significance. Review status: criteria provided, multiple submitters, no conflicts (2 of 4 stars). 2 submissions from 2 submitters: Uncertain significance (2). Last evaluated 2024-05-24.

Conditions:
DICER1-related tumor predisposition. Also called: DICER1 syndrome; DICER1-related pleuropulmonary blastoma cancer predisposition syndrome. Identifiers: Orphanet 284343, MedGen C3839822, MONDO:0100216.
Hereditary cancer-predisposing syndrome. Also called: Hereditary neoplastic syndrome; Neoplastic Syndromes, Hereditary; Tumor predisposition; Hereditary Cancer Syndrome. Identifiers: Orphanet 140162, MedGen C0027672, MeSH D009386, MONDO:0015356.

Submissions (2):

Ambry Genetics
Classification: Uncertain significance for Hereditary cancer-predisposing syndrome. Last evaluated: 2024-05-24. Review status: criteria provided, single submitter. Criteria: Ambry Variant Classification Scheme 2023. Collection method: clinical testing. Allele origin: germline.
Comment: The p.E449Q variant (also known as c.1345G>C), located in coding exon 7 of the DICER1 gene, results from a G to C substitution at nucleotide position 1345. The glutamic acid at codon 449 is replaced by glutamine, an amino acid with highly similar properties. This amino acid position is conserved. In addition, the in silico prediction for this alteration is inconclusive. Based on the available evidence, the clinical significance of this variant remains unclear.

Labcorp Genetics (formerly Invitae), Labcorp
Classification: Uncertain significance for DICER1-related tumor predisposition. Last evaluated: 2020-03-25. Review status: criteria provided, single submitter. Criteria: Invitae Variant Classification Sherloc (09022015). Collection method: clinical testing. Allele origin: germline.
Comment: This variant has not been reported in the literature in individuals with DICER1-related conditions. In summary, the available evidence is currently insufficient to determine the role of this variant in disease. Therefore, it has been classified as a Variant of Uncertain Significance. Algorithms developed to predict the effect of missense changes on protein structure and function are either unavailable or do not agree on the potential impact of this missense change (SIFT: "Tolerated"; PolyPhen-2: "Probably Damaging"; Align-GVGD: "Class C0"). This variant is not present in population databases (ExAC no frequency). This sequence change replaces glutamic acid with glutamine at codon 449 of the DICER1 protein (p.Glu449Gln). The glutamic acid residue is highly conserved and there is a small physicochemical difference between glutamic acid and glutamine.

NM_177438.3(DICER1):c.1345G>C (p.Glu449Gln)

Gene: DICER1 (dicer 1, ribonuclease III; minus strand). Cytogenetic location: 14q32.13.
Variant type: single nucleotide variant.
Coding change: c.1345G>C on transcript NM_177438.3 (MANE Select); coding-DNA position 1345, G replaced by C.
Protein change: p.Glu449Gln; replaces glutamic acid 449 with glutamine.
Molecular consequence: missense variant.
Genome position (GRCh38, 1-based): chr14:95,124,227, C>G on the plus strand (G>C on the coding strand, the complement: DICER1 is on the minus strand). VCF-style: chr14-95124227-C-G. GRCh37 (hg19) VCF-style: chr14-95590564-C-G.
Other names: c.1345G>C (NM_177438.2); c.1345G>C, p.Glu449Gln (NM_001195573.1, NM_001271282.3, NM_001291628.2 and 1 more transcripts); short protein forms E449Q.
Identifiers: ClinVar variation 1008153 (VCV001008153.11), dbSNP rs1893186128, ClinGen allele CA390886176.